The following is an entry in ClinVar:

ClinVar aggregate classification (germline): Uncertain significance. Review status: criteria provided, multiple submitters, no conflicts (2 of 4 stars). 2 submissions from 2 submitters: Uncertain significance (2). Last evaluated 2025-04-11.

Conditions:
Hereditary cancer-predisposing syndrome. Also called: Tumor predisposition; Hereditary Cancer Syndrome; Neoplastic Syndromes, Hereditary; Hereditary neoplastic syndrome. Identifiers: Orphanet 140162, MedGen C0027672, MeSH D009386, MONDO:0015356.
Cardiovascular phenotype. Identifiers: MedGen CN230736.
Neurofibromatosis, type 1 (NF1). Also called: VON RECKLINGHAUSEN DISEASE; Neurofibromatosis, type I; NEUROFIBROMATOSIS, TYPE I, SOMATIC; Peripheral type neurofibromatosis. Identifiers: Orphanet 636, MedGen C0027831, MONDO:0018975, OMIM 162200. Disease mechanism: loss of function.

Allele frequency attached by ClinVar (database versions not stated): gnomAD exomes below 0.00001.
gnomAD v4.1: 1 of 1,613,422 alleles (0.000062%); highest among the groups gnomAD compares: Middle Eastern, 0.017%; no homozygotes.

Submissions (2):

Labcorp Genetics (formerly Invitae), Labcorp
Classification: Uncertain significance for Neurofibromatosis, type 1. Last evaluated: 2025-04-11. Review status: criteria provided, single submitter. Criteria: Invitae Variant Classification Sherloc (09022015). Collection method: clinical testing. Allele origin: germline.
Comment: This sequence change replaces methionine, which is neutral and non-polar, with isoleucine, which is neutral and non-polar, at codon 68 of the NF1 protein (p.Met68Ile). This variant also falls at the last nucleotide of exon 2, which is part of the consensus splice site for this exon. This variant is present in population databases (no rsID available, gnomAD 0.0009%). This variant has not been reported in the literature in individuals affected with NF1-related conditions. ClinVar contains an entry for this variant (Variation ID: 1017372). An algorithm developed to predict the effect of missense changes on protein structure and function (PolyPhen-2) suggests that this variant is likely to be disruptive. Variants that disrupt the consensus splice site are a relatively common cause of aberrant splicing (PMID: 17576681, 9536098). In summary, the available evidence is currently insufficient to determine the role of this variant in disease. Therefore, it has been classified as a Variant of Uncertain Significance.

Ambry Genetics
Classification: Uncertain significance for Cardiovascular phenotype; Hereditary cancer-predisposing syndrome. Last evaluated: 2023-03-03. Review status: criteria provided, single submitter. Criteria: Ambry Variant Classification Scheme 2023. Collection method: clinical testing. Allele origin: germline.
Comment: The c.204G>A variant (also known as p.M68I), located in coding exon 2 of the NF1 gene, results from a G to A substitution at nucleotide position 204. The amino acid change results in methionine to isoleucine at codon 68, an amino acid with highly similar properties. However, this change occurs in the last base pair of coding exon 2, which makes it likely to have some effect on normal mRNA splicing. This nucleotide position is highly conserved in available vertebrate species. In silico splice site analysis predicts that this alteration will not have any significant effect on splicing. This amino acid position is highly conserved in available vertebrate species. In addition, as a missense substitution the in silico prediction for this alteration is inconclusive. Since supporting evidence is limited at this time, the clinical significance of this alteration remains unclear.

Literature cited by the submitters: PubMed 17576681 (cited by Labcorp Genetics (formerly Invitae), Labcorp); PubMed 9536098 (cited by Labcorp Genetics (formerly Invitae), Labcorp).

NM_001042492.3(NF1):c.204G>A (p.Met68Ile)

Gene: NF1 (neurofibromin 1; plus strand). Cytogenetic location: 17q11.2.
Variant type: single nucleotide variant.
Coding change: c.204G>A on transcript NM_001042492.3 (MANE Select); coding-DNA position 204, G replaced by A.
Protein change: p.Met68Ile; replaces methionine 68 with isoleucine.
Molecular consequence: missense variant.
Genome position (GRCh38, 1-based): chr17:31,156,126, G>A. VCF-style: chr17-31156126-G-A. GRCh37 (hg19) VCF-style: chr17-29483144-G-A.
Other names: c.204G>A, p.Met68Ile (NM_000267.4, NM_001128147.3); short protein forms M68I.
Identifiers: ClinVar variation 1017372 (VCV001017372.7), dbSNP rs1441153485, ClinGen allele CA398988781.